The following is an entry in ClinVar:

NM_004360.5(CDH1):c.1893A>C (p.Thr631=)

Gene: CDH1 (cadherin 1; plus strand). Cytogenetic location: 16q22.1.
Variant type: single nucleotide variant.
Coding change: c.1893A>C on transcript NM_004360.5 (MANE Select); coding-DNA position 1893, A replaced by C.
Protein change: p.Thr631=; no amino-acid change (threonine 631 retained).
Molecular consequence: synonymous variant. On other transcripts: 5 prime UTR variant (1).
Genome position (GRCh38, 1-based): chr16:68,822,182, A>C. VCF-style: chr16-68822182-A-C. GRCh37 (hg19) VCF-style: chr16-68856085-A-C.
Other names: c.1893A>C (LRG_301t1); c.1710A>C, p.Thr570= (NM_001317184.2); c.345A>C, p.Thr115= (NM_001317185.2); c.-73A>C (NM_001317186.2).
Identifiers: ClinVar variation 184421 (VCV000184421.21), dbSNP rs786201452, ClinGen allele CA188919.

ClinVar aggregate classification (germline): Benign/Likely benign. Review status: criteria provided, multiple submitters, no conflicts (2 of 4 stars). 5 submissions from 5 submitters: Benign (1); Likely benign (4). Last evaluated 2025-09-14.

Conditions:
Hereditary cancer-predisposing syndrome. Also called: Tumor predisposition; Hereditary Cancer Syndrome; Hereditary neoplastic syndrome; Neoplastic Syndromes, Hereditary. Identifiers: Orphanet 140162, MedGen C0027672, MeSH D009386, MONDO:0015356.
Hereditary diffuse gastric adenocarcinoma (HDGC). Also called: DIFFUSE GASTRIC AND LOBULAR BREAST CANCER SYNDROME. Identifiers: Orphanet 26106, MedGen C1708349, MONDO:0007648, OMIM 137215.

Allele frequency attached by ClinVar (database versions not stated): gnomAD exomes below 0.00001; TOPMed below 0.00001; gnomAD 0.00001.
gnomAD v4.1: 20 of 1,613,996 alleles (0.0012%); highest among the groups gnomAD compares: Non-Finnish European, 0.0017%; no homozygotes.

Submissions (5):

Labcorp Genetics (formerly Invitae), Labcorp
Classification: Likely benign for Hereditary diffuse gastric adenocarcinoma. Last evaluated: 2025-09-14. Review status: criteria provided, single submitter. Criteria: Invitae Variant Classification Sherloc (09022015). Collection method: clinical testing. Allele origin: germline.

Myriad Genetics, Inc.
Classification: Benign for Hereditary diffuse gastric adenocarcinoma. Last evaluated: 2024-09-20. Review status: criteria provided, single submitter. Criteria: Myriad Autosomal Dominant, Autosomal Recessive and X-Linked Classification Criteria (2023). Collection method: clinical testing. Allele origin: unknown.
Comment: This variant is considered benign. This variant is a silent/synonymous amino acid change and it is not expected to impact splicing.

GeneDx
Classification: Likely benign. Last evaluated: 2021-05-04. Review status: criteria provided, single submitter. Criteria: GeneDx Variant Classification Process June 2021. Collection method: clinical testing. Allele origin: germline. Affected: yes.

Color Diagnostics, LLC DBA Color Health
Classification: Likely benign for Hereditary cancer-predisposing syndrome. Last evaluated: 2017-06-24. Review status: criteria provided, single submitter. Criteria: ACMG Guidelines, 2015. Collection method: clinical testing. Allele origin: germline.

Ambry Genetics
Classification: Likely benign for Hereditary cancer-predisposing syndrome. Last evaluated: 2014-09-30. Review status: criteria provided, single submitter. Criteria: Ambry Variant Classification Scheme 2023. Collection method: clinical testing. Allele origin: germline.